The following is an entry in ClinVar:

NM_025145.7(CFAP43):c.1547-7del

Gene: CFAP43 (cilia and flagella associated protein 43; minus strand). Cytogenetic location: 10q25.1.
Variant type: Deletion.
Coding change: c.1547-7del on transcript NM_025145.7 (MANE Select); 7 bases into the intron before coding-DNA position 1547, one base deleted (C; older notation c.1547-7delC).
Molecular consequence: intron variant.
Genome position (GRCh38, 1-based): chr10:104,188,417, G deleted on the plus strand (C on the coding strand, the reverse complement: CFAP43 is on the minus strand). VCF-style (leftmost placement, unchanged base first): chr10-104188416-AG-A. GRCh37 (hg19) VCF-style: chr10-105948174-AG-A.
Identifiers: ClinVar variation 3051577 (VCV003051577.2), dbSNP rs2090101698, ClinGen allele CA471341070.

ClinVar aggregate classification (germline): Likely benign (0 of 4 stars; one submission).

Conditions:
CFAP43-related disorder. Also called: CFAP43-related condition.

Allele frequency attached by ClinVar (database versions not stated): gnomAD exomes below 0.00001; TOPMed below 0.00001; gnomAD 0.00001.

Submission:

PreventionGenetics, part of Exact Sciences
Classification: Likely benign for CFAP43-related condition. Last evaluated: 2019-02-22. Review status: no assertion criteria provided. Collection method: clinical testing. Allele origin: germline.
Comment: This variant is classified as likely benign based on ACMG/AMP sequence variant interpretation guidelines (Richards et al. 2015 PMID: 25741868, with internal and published modifications).